The following is an entry in ClinVar:

ClinVar aggregate classification (germline): Pathogenic (1 of 4 stars; one submission).

Submission:

Labcorp Genetics (formerly Invitae), Labcorp
Classification: Pathogenic. Last evaluated: 2023-09-23. Review status: criteria provided, single submitter. Criteria: Invitae Variant Classification Sherloc (09022015). Collection method: clinical testing. Allele origin: germline.
Comment: For these reasons, this variant has been classified as Pathogenic. ClinVar contains an entry for this variant (Variation ID: 841747). This variant has not been reported in the literature in individuals affected with LIFR-related conditions. This variant is not present in population databases (gnomAD no frequency). This sequence change creates a premature translational stop signal (p.Pro136Glnfs*7) in the LIFR gene. It is expected to result in an absent or disrupted protein product. Loss-of-function variants in LIFR are known to be pathogenic (PMID: 14740318).

Literature cited by the submitters: PubMed 14740318.

NM_001127671.2(LIFR):c.407del (p.Pro136fs)

Gene: LIFR (LIF receptor subunit alpha; minus strand). Cytogenetic location: 5p13.1.
Variant type: Deletion.
Coding change: c.407del on transcript NM_001127671.2 (MANE Select); coding-DNA position 407, one base deleted (C; older notation c.407delC).
Protein change: p.Pro136fs; shifts the reading frame from proline 136.
Molecular consequence: frameshift variant.
Genome position (GRCh38, 1-based): chr5:38,523,573, G deleted on the plus strand (C on the coding strand, the reverse complement: LIFR is on the minus strand); the first of 2 consecutive G bases (chr5:38,523,573-38,523,574); deleting either gives the same sequence. VCF-style (leftmost placement, unchanged base first): chr5-38523572-TG-T. GRCh37 (hg19) VCF-style: chr5-38523674-TG-T.
Other names: c.407del, p.Pro136fs (NM_001364297.2, NM_001364298.2, NM_002310.6); short protein forms P136fs.
Identifiers: ClinVar variation 841747 (VCV000841747.7), dbSNP rs1746518336, ClinGen allele CA916082705.